The following is an entry in ClinVar:

ClinVar aggregate classification (germline): Likely benign (0 of 4 stars; one submission).

Conditions:
TRIM2-related disorder. Also called: TRIM2-related condition.

Allele frequency attached by ClinVar (database versions not stated): TOPMed below 0.00001; gnomAD 0.00011; gnomAD exomes 0.00024; 1000 Genomes Project 30x 0.00078; 1000 Genomes Project 0.00080; ExAC 0.00175.
gnomAD v4.1: 346 of 1,551,688 alleles (0.022%); highest among the groups gnomAD compares: South Asian, 0.4%; 5 homozygotes.

Submission:

PreventionGenetics, part of Exact Sciences
Classification: Likely benign for TRIM2-related condition. Last evaluated: 2019-05-24. Review status: no assertion criteria provided. Collection method: clinical testing. Allele origin: germline.
Comment: This variant is classified as likely benign based on ACMG/AMP sequence variant interpretation guidelines (Richards et al. 2015 PMID: 25741868, with internal and published modifications).

NM_015271.5(TRIM2):c.-2C>T

Gene: TRIM2 (tripartite motif containing 2; plus strand). Cytogenetic location: 4q31.3.
Variant type: single nucleotide variant.
Coding change: c.-2C>T on transcript NM_015271.5 (MANE Select); 2 bases upstream of the start codon, C replaced by T.
Molecular consequence: 5 prime UTR variant. On other transcripts: intron variant (7).
Genome position (GRCh38, 1-based): chr4:153,204,529, C>T. VCF-style: chr4-153204529-C-T. GRCh37 (hg19) VCF-style: chr4-154125681-C-T.
Other names: c.-2C>T (NM_001302692.2, NM_001302693.2, NM_001375488.1 and 5 more transcripts); c.-559C>T (NM_001351057.2); c.-877C>T (NM_001375512.1); c.-168C>T (NM_001375516.1); c.-288C>T (NM_001375522.1); c.-291C>T (NM_001375523.1); c.-49+52247C>T (NM_001375517.1); c.-49+51912C>T (NM_001375514.1); and 4 more.
Identifiers: ClinVar variation 3039148 (VCV003039148.2), dbSNP rs538966121, ClinGen allele CA3108437.